The following is an entry in ClinVar:

NM_000051.4(ATM):c.6571A>G (p.Arg2191Gly)

Genes: ATM (ATM serine/threonine kinase; plus strand), C11orf65 (chromosome 11 open reading frame 65; minus strand). Cytogenetic location: 11q22.3.
Variant type: single nucleotide variant.
Coding change: c.6571A>G on transcript NM_000051.4 (MANE Select); coding-DNA position 6571, A replaced by G.
Protein change: p.Arg2191Gly; replaces arginine 2191 with glycine.
Molecular consequence: missense variant. On other transcripts: intron variant (2).
Genome position (GRCh38, 1-based): chr11:108,321,419, A>G. VCF-style: chr11-108321419-A-G. GRCh37 (hg19) VCF-style: chr11-108192146-A-G.
Other names: p.R2191G:AGA>GGA; c.6571A>G, p.Arg2191Gly (NM_001351834.2); c.641-12348T>C (NM_001330368.2); c.*39-12348T>C (NM_001351110.2); short protein forms R2191G.
Identifiers: ClinVar variation 141591 (VCV000141591.19), dbSNP rs587781861, ClinGen allele CA294164.

ClinVar aggregate classification (germline): Uncertain significance. Review status: criteria provided, multiple submitters, no conflicts (2 of 4 stars). 7 submissions from 7 submitters: Uncertain significance (7). Last evaluated 2026-01-26.

Conditions:
ATM-related disorder. Also called: ATM-related disorders; ATM-related condition.
Hereditary cancer-predisposing syndrome. Also called: Neoplastic Syndromes, Hereditary; Hereditary Cancer Syndrome; Tumor predisposition; Hereditary neoplastic syndrome. Identifiers: Orphanet 140162, MedGen C0027672, MeSH D009386, MONDO:0015356.
Ataxia-telangiectasia syndrome (AT). Also called: Ataxia-telangiectasia, complementation group D; AT, COMPLEMENTATION GROUP C; Ataxia-telangiectasia; ATAXIA-TELANGIECTASIA, COMPLEMENTATION GROUP A; ATAXIA-TELANGIECTASIA, FRESNO VARIANT; Ataxia-telangiectasia, complementation group E. Identifiers: Orphanet 100, MedGen C0004135, MONDO:0008840, OMIM 208900.

Allele frequency attached by ClinVar (database versions not stated): gnomAD exomes below 0.00001.
gnomAD v4.1: 2 of 1,614,102 alleles (0.00012%); highest among the groups gnomAD compares: Non-Finnish European, 0.00017%; no homozygotes.

Submissions (7):

Labcorp Genetics (formerly Invitae), Labcorp
Classification: Uncertain significance for Ataxia-telangiectasia syndrome. Last evaluated: 2026-01-26. Review status: criteria provided, single submitter. Criteria: Invitae Variant Classification Sherloc (09022015). Collection method: clinical testing. Allele origin: germline.
Comment: This sequence change replaces arginine, which is basic and polar, with glycine, which is neutral and non-polar, at codon 2191 of the ATM protein (p.Arg2191Gly). This variant is present in population databases (rs587781861, gnomAD 0.0009%). This variant has not been reported in the literature in individuals affected with ATM-related conditions. ClinVar contains an entry for this variant (Variation ID: 141591). An algorithm developed to predict the effect of missense changes on protein structure and function (PolyPhen-2) suggests that this variant is likely to be disruptive. In summary, the available evidence is currently insufficient to determine the role of this variant in disease. Therefore, it has been classified as a Variant of Uncertain Significance.

PreventionGenetics, part of Exact Sciences
Classification: Uncertain significance for ATM-related condition. Last evaluated: 2025-12-08. Review status: criteria provided, single submitter. Criteria: ACMG Guidelines, 2015. Collection method: clinical testing. Allele origin: germline.
Comment: The ATM c.6571A>G variant is predicted to result in the amino acid substitution p.Arg2191Gly. To our knowledge, this variant has not been reported in the literature. This variant is reported in 0.00088% of alleles in individuals of European (Non-Finnish) descent in gnomAD and is classified as a variant of uncertain significance in ClinVar (Variation ID: 141591). At this time, the clinical significance of this variant is uncertain due to the absence of conclusive functional and genetic evidence.

Women's Health and Genetics/Laboratory Corporation of America, LabCorp
Classification: Uncertain significance. Last evaluated: 2025-06-16. Review status: criteria provided, single submitter. Criteria: LabCorp Variant Classification Summary - May 2015. Collection method: clinical testing. Allele origin: germline.

Ambry Genetics
Classification: Uncertain significance for Hereditary cancer-predisposing syndrome. Last evaluated: 2025-04-10. Review status: criteria provided, single submitter. Criteria: Ambry Variant Classification Scheme 2023. Collection method: clinical testing. Allele origin: germline.
Comment: The p.R2191G variant (also known as c.6571A>G), located in coding exon 44 of the ATM gene, results from an A to G substitution at nucleotide position 6571. The arginine at codon 2191 is replaced by glycine, an amino acid with dissimilar properties. This amino acid position is well conserved in available vertebrate species. In addition, this alteration is predicted to be tolerated by in silico analysis. Based on the available evidence, the clinical significance of this variant remains unclear.

GeneDx
Classification: Uncertain significance. Last evaluated: 2023-08-17. Review status: criteria provided, single submitter. Criteria: GeneDx Variant Classification Process June 2021. Collection method: clinical testing. Allele origin: germline. Affected: yes.
Comment: Not observed at significant frequency in large population cohorts (gnomAD); In silico analysis supports that this missense variant has a deleterious effect on protein structure/function; Observed in 3/60466 cases and 1/53461 controls in a breast cancer case-control study (Dorling et al., 2021); This variant is associated with the following publications: (PMID: 33471991, 23532176, 31911633)

Color Diagnostics, LLC DBA Color Health
Classification: Uncertain significance for Hereditary cancer-predisposing syndrome. Last evaluated: 2022-02-17. Review status: criteria provided, single submitter. Criteria: ACMG Guidelines, 2015. Collection method: clinical testing. Allele origin: germline.
Comment: This missense variant replaces arginine with glycine at codon 2191 of the ATM protein. Computational prediction suggests that this variant may not impact protein structure and function (internally defined REVEL score threshold <= 0.5, PMID: 27666373). To our knowledge, functional studies have not been reported for this variant. In a large international case-control study, this variant was reported in 3/60463 breast cancer cases and 1/53460 controls (PMID: 33471991). This variant has been identified in 1/251460 chromosomes in the general population by the Genome Aggregation Database (gnomAD). The available evidence is insufficient to determine the role of this variant in disease conclusively. Therefore, this variant is classified as a Variant of Uncertain Significance.

Sema4
Classification: Uncertain significance for Hereditary cancer-predisposing syndrome. Last evaluated: 2021-12-15. Review status: criteria provided, single submitter. Criteria: Sema4 Curation Guidelines. Collection method: curation. Allele origin: germline.
Comment: The ATM c.6571A>G (p.R2191G) variant has been reported in heterozygosity in at least two individuals with breast cancer (PMID: 33471991). It was observed in 1/113740 chromosomes in the Non-Finnish European subpopulation in the large and broad cohorts of the Genome Aggregation Database (PMID: 32461654). This variant has been reported in ClinVar (Variation ID: 141591). In silico tools suggest the impact of the variant on protein function is deleterious, though these predictions have not been confirmed by functional studies. The evidence is insufficient to meet ACMG/AMP criteria for classifying the variant as benign or pathogenic. Thus, the clinical significance of this variant is currently uncertain.

Literature cited by the submitters: PubMed 31911633 (cited by Ambry Genetics); PubMed 33471991 (cited by Color Diagnostics, LLC DBA Color Health and Sema4).